The following is an entry in ClinVar:

ClinVar aggregate classification (germline): Uncertain significance (1 of 4 stars; one submission).

Conditions:
Erythrocytosis, familial, 3 (ECYT3). Identifiers: Orphanet 247511, MedGen C1853286, MONDO:0012353, OMIM 609820.

gnomAD v4.1: 1 of 1,614,058 alleles (0.000062%); highest among the groups gnomAD compares: East Asian, 0.0022%; no homozygotes.

Submission:

Labcorp Genetics (formerly Invitae), Labcorp
Classification: Uncertain significance for Erythrocytosis, familial, 3. Last evaluated: 2022-07-17. Review status: criteria provided, single submitter. Criteria: Invitae Variant Classification Sherloc (09022015). Collection method: clinical testing. Allele origin: germline.
Comment: Algorithms developed to predict the effect of missense changes on protein structure and function are either unavailable or do not agree on the potential impact of this missense change (SIFT: "Deleterious"; PolyPhen-2: "Benign"; Align-GVGD: "Class C25"). This variant has not been reported in the literature in individuals affected with EGLN1-related conditions. This variant is not present in population databases (gnomAD no frequency). This sequence change replaces serine, which is neutral and polar, with isoleucine, which is neutral and non-polar, at codon 289 of the EGLN1 protein (p.Ser289Ile). In summary, the available evidence is currently insufficient to determine the role of this variant in disease. Therefore, it has been classified as a Variant of Uncertain Significance.

NM_022051.3(EGLN1):c.866G>T (p.Ser289Ile)

Genes: EGLN1 (egl-9 family hypoxia inducible factor 1; minus strand), LOC129932769 (ATAC-STARR-seq lymphoblastoid active region 2730; plus strand). Cytogenetic location: 1q42.2.
Variant type: single nucleotide variant.
Coding change: c.866G>T on transcript NM_022051.3 (MANE Select); coding-DNA position 866, G replaced by T.
Protein change: p.Ser289Ile; replaces serine 289 with isoleucine.
Molecular consequence: missense variant.
Genome position (GRCh38, 1-based): chr1:231,421,023, C>A on the plus strand (G>T on the coding strand, the complement: EGLN1 is on the minus strand). VCF-style: chr1-231421023-C-A. GRCh37 (hg19) VCF-style: chr1-231556769-C-A.
Other names: c.866G>T, p.Ser289Ile (NM_001377260.1, NM_001377261.1); short protein forms S289I.
Identifiers: ClinVar variation 1717826 (VCV001717826.6), dbSNP rs2527358183, ClinGen allele CA345234882.